The following is an entry in ClinVar:

ClinVar aggregate classification (germline): Uncertain significance (1 of 4 stars; one submission).

Allele frequency attached by ClinVar (database versions not stated): gnomAD exomes below 0.00001 and 0.00001; TOPMed below 0.00001; ExAC 0.00001; gnomAD 0.00001; 1000 Genomes Project 0.00020; 1000 Genomes Project 30x 0.00031.
gnomAD v4.1: 6 of 1,613,834 alleles (0.00037%); highest among the groups gnomAD compares: Admixed American, 0.005%; no homozygotes.

Submission:

Labcorp Genetics (formerly Invitae), Labcorp
Classification: Uncertain significance. Last evaluated: 2023-12-24. Review status: criteria provided, single submitter. Criteria: Invitae Variant Classification Sherloc (09022015). Collection method: clinical testing. Allele origin: germline.
Comment: This sequence change replaces isoleucine, which is neutral and non-polar, with valine, which is neutral and non-polar, at codon 1478 of the RP1 protein (p.Ile1478Val). This variant is present in population databases (rs568838422, gnomAD 0.003%). This variant has not been reported in the literature in individuals affected with RP1-related conditions. ClinVar contains an entry for this variant (Variation ID: 1378515). An algorithm developed to predict the effect of missense changes on protein structure and function (PolyPhen-2) suggests that this variant is likely to be tolerated. In summary, the available evidence is currently insufficient to determine the role of this variant in disease. Therefore, it has been classified as a Variant of Uncertain Significance.

NM_006269.2(RP1):c.4432A>G (p.Ile1478Val)

Gene: RP1 (RP1 axonemal microtubule associated; plus strand). Cytogenetic location: 8q12.1.
Variant type: single nucleotide variant.
Coding change: c.4432A>G on transcript NM_006269.2 (MANE Select); coding-DNA position 4432, A replaced by G.
Protein change: p.Ile1478Val; replaces isoleucine 1478 with valine.
Molecular consequence: missense variant. On other transcripts: intron variant (1).
Genome position (GRCh38, 1-based): chr8:54,628,314, A>G. VCF-style: chr8-54628314-A-G. GRCh37 (hg19) VCF-style: chr8-55540874-A-G.
Other names: c.787+6026A>G (NM_001375654.1); short protein forms I1478V.
Identifiers: ClinVar variation 1378515 (VCV001378515.8), dbSNP rs568838422, ClinGen allele CA4751865.